The following is an entry in ClinVar:

ClinVar aggregate classification (germline): Uncertain significance (1 of 4 stars; one submission).

Conditions:
Ritscher-Schinzel syndrome 1 (RTSC1). Identifiers: Orphanet 7, MedGen C4551776, MONDO:0009073, OMIM 220210.

Submission:

Victorian Clinical Genetics Services, Murdoch Childrens Research Institute
Classification: Uncertain significance for Ritscher-Schinzel syndrome 1. Last evaluated: 2023-07-16. Review status: criteria provided, single submitter. Criteria: ACMG Guidelines, 2015. Collection method: clinical testing. Allele origin: germline. Inheritance: Autosomal recessive inheritance. Affected: yes.
Comment: Based on the classification scheme VCGS_Germline_v1.3.4, this variant is classified as VUS-3B. Following criteria are met: 0105 - The mechanism of disease for this gene is not clearly established. However, gain of function and dominant negative have been suggested as the mechanism for missense variants associated with spastic paraplegia 8, autosomal dominant (MIM#603563) (PMIDs: 31911435, 25614869). Loss of function has been suggested as the mechanism for Ritscher-Schinzel syndrome 1 (MIM#220210) but this is only based off one variant (PMID: 24065355). (I) 0107 - This gene is associated with autosomal dominant disease. There are also reports of a single homozygous founder variant associated with autosomal recessive Ritscher-Schinzel syndrome 1 (MIM#220210) in 11 individuals from an isolated community (PMID: 24065355). (I) 0201 - Variant is predicted to cause nonsense-mediated decay (NMD) and loss of protein (premature termination codon is located at least 54 nucleotides upstream of the final exon-exon junction). (SP) 0251 - This variant is heterozygous. (I) 0301 - Variant is absent from gnomAD (both v2 and v3). (SP) 0309 - Multiple alternative NMD predicted variants been observed in gnomAD (v2) (highest allele count: 8 heterozygotes, 0 homozygotes). (I) 0708 - Other NMD predicted variants comparable to the one identified in this case have conflicting previous evidence for pathogenicity. Five NMD predicted variants have been classified as pathogenic or likely pathogenic by clinical laboratories in ClinVar, but only one has been observed in an individual with spastic paraplegia in the literature (PMID: 29768361). Another NMD variant has been observed in two siblings with myopathy, who had an alternative diagnosis in the ATP2A1 gene (PMID: 25614869). (I) 0807 - This variant has no previous evidence of pathogenicity. (I) 0905 - No published segregation evidence has been identified for this variant. (I) 1007 - No published functional evidence has been identified for this variant. (I) 1208 - Inheritance information for this variant is not currently available in this individual. (I) Legend: (SP) - Supporting pathogenic, (I) - Information, (SB) - Supporting benign

Literature cited by the submitters: PubMed 24065355; PubMed 25614869; PubMed 29768361; PubMed 31911435.

NM_014846.4(WASHC5):c.1102_1103del (p.Asp368fs)

Gene: WASHC5 (WASH complex subunit 5; minus strand). Cytogenetic location: 8q24.13.
Variant type: Microsatellite.
Coding change: c.1102_1103del on transcript NM_014846.4 (MANE Select); coding-DNA positions 1102 to 1103, 2 bases deleted (GA; older notation c.1102_1103delGA).
Protein change: p.Asp368fs; shifts the reading frame from aspartic acid 368.
Molecular consequence: frameshift variant.
Genome position (GRCh38, 1-based): chr8:125,073,200-125,073,201, TC deleted on the plus strand (GA on the coding strand, the reverse complement: WASHC5 is on the minus strand); deleting any 2 consecutive bases within chr8:125,073,200-125,073,205 gives the same sequence; the c. name uses the placement nearest the transcript's 3' end. VCF-style (leftmost placement, unchanged base first): chr8-125073199-GTC-G. GRCh37 (hg19) VCF-style: chr8-126085441-GTC-G.
Other names: c.658_659del, p.Asp220fs (NM_001330609.2); short protein forms D220fs, D368fs.
Identifiers: ClinVar variation 3255170 (VCV003255170.2), dbSNP rs1816952902.